The following is an entry in ClinVar:

ClinVar aggregate classification (germline): Uncertain significance (1 of 4 stars; one submission).

Submission:

Labcorp Genetics (formerly Invitae), Labcorp
Classification: Uncertain significance. Last evaluated: 2021-08-29. Review status: criteria provided, single submitter. Criteria: Invitae Variant Classification Sherloc (09022015). Collection method: clinical testing. Allele origin: germline.
Comment: In summary, the available evidence is currently insufficient to determine the role of this variant in disease. Therefore, it has been classified as a Variant of Uncertain Significance. Experimental studies and prediction algorithms are not available or were not evaluated, and the functional significance of this variant is currently unknown. This variant has not been reported in the literature in individuals affected with POLG2-related conditions. This variant results in a copy number gain of the genomic region encompassing exon(s) 7-8 of the POLG2 gene. This region includes the termination codon of the gene. This copy number gain extends beyond the assayed region for this gene and therefore may encompass additional genes. As the precise location of this event is unknown, it may be in tandem or it may be located elsewhere in the genome.

NC_000017.10:g.(?_62473940)_(62476526_?)dup

Gene: POLG2 (DNA polymerase gamma 2, accessory subunit; minus strand). Cytogenetic location: 17q23.3.
Variant type: Duplication.
Identifiers: ClinVar variation 1437050 (VCV001437050.4).